The following is an entry in ClinVar:

ClinVar aggregate classification (germline): Uncertain significance (1 of 4 stars; one submission).

Conditions:
Cardiovascular phenotype. Identifiers: MedGen CN230736.

Submission:

Ambry Genetics
Classification: Uncertain significance for Cardiovascular phenotype. Last evaluated: 2025-07-21. Review status: criteria provided, single submitter. Criteria: Ambry Variant Classification Scheme 2023. Collection method: clinical testing. Allele origin: germline.
Comment: The p.S1145P variant (also known as c.3433T>C), located in coding exon 22 of the TRPM4 gene, results from a T to C substitution at nucleotide position 3433. The serine at codon 1145 is replaced by proline, an amino acid with similar properties. This amino acid position is conserved. In addition, this alteration is predicted to be tolerated by in silico analysis. Based on the available evidence, the clinical significance of this variant remains unclear.

NM_017636.4(TRPM4):c.3433T>C (p.Ser1145Pro)

Gene: TRPM4 (transient receptor potential cation channel subfamily M member 4; plus strand). Cytogenetic location: 19q13.33.
Variant type: single nucleotide variant.
Coding change: c.3433T>C on transcript NM_017636.4 (MANE Select); coding-DNA position 3433, T replaced by C.
Protein change: p.Ser1145Pro; replaces serine 1145 with proline.
Molecular consequence: missense variant.
Genome position (GRCh38, 1-based): chr19:49,210,814, T>C. VCF-style: chr19-49210814-T-C. GRCh37 (hg19) VCF-style: chr19-49714071-T-C.
Other names: c.2998T>C, p.Ser1000Pro (NM_001195227.2); c.3088T>C, p.Ser1030Pro (NM_001321281.2); c.1825T>C, p.Ser609Pro (NM_001321282.2); c.2911T>C, p.Ser971Pro (NM_001321283.2); c.2371T>C, p.Ser791Pro (NM_001321285.2); short protein forms S1030P, S791P, S971P, S1000P, S609P, S1145P.
Identifiers: ClinVar variation 4191755 (VCV004191755.1).